The following is an entry in ClinVar:

NM_007294.4(BRCA1):c.4938C>T (p.Val1646=)

Gene: BRCA1 (BRCA1 DNA repair associated; minus strand). Cytogenetic location: 17q21.31.
Variant type: single nucleotide variant.
Coding change: c.4938C>T on transcript NM_007294.4 (MANE Select); coding-DNA position 4938, C replaced by T.
Protein change: p.Val1646=; no amino-acid change (valine 1646 retained).
Molecular consequence: synonymous variant. On other transcripts: intron variant (1).
Genome position (GRCh38, 1-based): chr17:43,070,976, G>A on the plus strand (C>T on the coding strand, the complement: BRCA1 is on the minus strand). VCF-style: chr17-43070976-G-A. GRCh37 (hg19) VCF-style: chr17-41222993-G-A.
Other names: c.4725C>T, p.Val1575= (NM_001407571.1, NM_001407894.1, NM_001407895.1 and 12 more transcripts); c.5004C>T, p.Val1668= (NM_001407581.1, NM_001407582.1); c.5001C>T, p.Val1667= (NM_001407583.1, NM_001407585.1, NM_001407587.1 and 1 more transcripts); c.4998C>T, p.Val1666= (NM_001407590.1, NM_001407591.1); c.4938C>T, p.Val1646= (NM_001407593.1, NM_001407594.1, NM_001407596.1 and 8 more transcripts); c.4935C>T, p.Val1645= (NM_001407610.1, NM_001407611.1, NM_001407612.1 and 17 more transcripts); c.4932C>T, p.Val1644= (NM_001407627.1, NM_001407628.1, NM_001407629.1 and 14 more transcripts); c.4929C>T, p.Val1643= (NM_001407644.1, NM_001407645.1); and 71 more.
Identifiers: ClinVar variation 865437 (VCV000865437.3), dbSNP rs2052371169, ClinGen allele CA500231617.

Conditions:
Breast-ovarian cancer, familial, susceptibility to, 1 (BROVCA1). Also called: BRCA1 Hereditary Breast and Ovarian Cancer; OVARIAN CANCER, SUSCEPTIBILITY TO. Identifiers: Orphanet 145, MedGen C2676676, MONDO:0011450, OMIM 604370. Disease mechanism: loss of function.

Submission:

Brotman Baty Institute, University of Washington
No classification provided (evidence only). Condition: Breast-ovarian cancer, familial 1. Review status: no classification provided. Collection method: in vitro. Allele origin: not applicable. Functional consequence: function_uncertain_variant.
ClinVar note: "not provided" was previously submitted as the classification for the variant. However, the classification appeared to be based only on an observation of functional data so it was converted to no classification on 2025-07-30.